The following is an entry in ClinVar:

NM_000038.6(APC):c.3448G>A (p.Glu1150Lys)

Gene: APC (APC regulator of Wnt signaling pathway; plus strand). Cytogenetic location: 5q22.2.
Variant type: single nucleotide variant.
Coding change: c.3448G>A on transcript NM_000038.6 (MANE Select); coding-DNA position 3448, G replaced by A.
Protein change: p.Glu1150Lys; replaces glutamic acid 1150 with lysine.
Molecular consequence: missense variant. On other transcripts: non-coding transcript variant (2).
Genome position (GRCh38, 1-based): chr5:112,839,042, G>A. VCF-style: chr5-112839042-G-A. GRCh37 (hg19) VCF-style: chr5-112174739-G-A.
Other names: c.3448G>A, p.Glu1150Lys (NM_001127510.3, NM_001354895.2, NM_001407450.1); c.3394G>A, p.Glu1132Lys (NM_001127511.3); c.3502G>A, p.Glu1168Lys (NM_001354896.2, NM_001407447.1, NM_001407448.1 and 1 more transcripts); c.3478G>A, p.Glu1160Lys (NM_001354897.2); c.3373G>A, p.Glu1125Lys (NM_001354898.2); c.3364G>A, p.Glu1122Lys (NM_001354899.2); c.3325G>A, p.Glu1109Lys (NM_001354900.2); c.3271G>A, p.Glu1091Lys (NM_001354901.2, NM_001407453.1); and 11 more; short protein forms E1021K, E1049K, E1122K, E1125K, E1150K, E990K, E1132K, E1140K.
Identifiers: ClinVar variation 4118935 (VCV004118935.1).
Genomic context (GRCh38, chr5:112,839,042, plus strand): 5'-TGTCAAGAAGATGACTATGAAGATGATAAGCCTACCAATTATAGTGAACGTTACTCTGAA[G>A]AAGAACAGCATGAAGAAGAAGAGAGACCAACAAATTATAGCATAAAATATAATGAAGAGA-3'
Protein context (NP_000029.2, residues 1140-1160): PTNYSERYSE[Glu1150Lys]EQHEEEERPT

ClinVar aggregate classification (germline): Uncertain significance (1 of 4 stars; one submission).

Conditions:
Hereditary cancer-predisposing syndrome. Also called: Hereditary neoplastic syndrome; Neoplastic Syndromes, Hereditary; Tumor predisposition; Hereditary Cancer Syndrome. Identifiers: Orphanet 140162, MedGen C0027672, MeSH D009386, MONDO:0015356.

gnomAD v4.1: 1 of 1,614,024 alleles (0.000062%); highest among the groups gnomAD compares: Non-Finnish European, 0.000085%; no homozygotes.

Submission:

Ambry Genetics
Classification: Uncertain significance for Hereditary cancer-predisposing syndrome. Last evaluated: 2025-08-18. Review status: criteria provided, single submitter. Criteria: Ambry Variant Classification Scheme 2023. Collection method: clinical testing. Allele origin: germline.
Comment: The p.E1150K variant (also known as c.3448G>A), located in coding exon 15 of the APC gene, results from a G to A substitution at nucleotide position 3448. The glutamic acid at codon 1150 is replaced by lysine, an amino acid with similar properties. This amino acid position is well conserved in available vertebrate species. In addition, in silico predictors for this gene do not accurately predict pathogenicity. Missense alterations in APC are not a common cause of disease (Spier I et al. Genet Med. 2024 Feb;26(2):100992). Based on the available evidence, the clinical significance of this variant remains unclear.